The following is an entry in ClinVar:

ClinVar aggregate classification (germline): Uncertain significance (1 of 4 stars; one submission).

Conditions:
Neuropathy, hereditary sensory and autonomic, type 2A (HSAN2A). Also called: HSAN IIA; WNK1-Related HSAN2 (HSAN2A); ACROOSTEOLYSIS, GIACCAI TYPE; ACROOSTEOLYSIS, NEUROGENIC; MORVAN DISEASE; NEUROPATHY, CONGENITAL SENSORY. Identifiers: Orphanet 970, MedGen C2752089, MONDO:0024309, OMIM 201300.
Pseudohypoaldosteronism type 2C (PHA2C). Also called: Pseudohypoaldosteronism Type IIC. Identifiers: Orphanet 757, Orphanet 88940, MedGen C1840391, MONDO:0013778, OMIM 614492.

Allele frequency attached by ClinVar (database versions not stated): gnomAD exomes below 0.00001; ExAC 0.00001; gnomAD 0.00001.
gnomAD v4.1: 3 of 1,613,518 alleles (0.00019%); highest among the groups gnomAD compares: African/African-American, 0.0013%; no homozygotes.

Submission:

Labcorp Genetics (formerly Invitae), Labcorp
Classification: Uncertain significance for Neuropathy, hereditary sensory and autonomic, type 2A; Pseudohypoaldosteronism type 2C. Last evaluated: 2022-02-01. Review status: criteria provided, single submitter. Criteria: Invitae Variant Classification Sherloc (09022015). Collection method: clinical testing. Allele origin: germline.
Comment: Algorithms developed to predict the effect of missense changes on protein structure and function are either unavailable or do not agree on the potential impact of this missense change (SIFT: "Deleterious"; PolyPhen-2: "Not Available"; Align-GVGD: "Class C0"). In summary, the available evidence is currently insufficient to determine the role of this variant in disease. Therefore, it has been classified as a Variant of Uncertain Significance. This variant has not been reported in the literature in individuals affected with WNK1-related conditions. The frequency data for this variant in the population databases is considered unreliable, as metrics indicate poor data quality at this position in the gnomAD database. This sequence change replaces threonine, which is neutral and polar, with methionine, which is neutral and non-polar, at codon 234 of the WNK1 protein (p.Thr234Met).

NM_018979.4(WNK1):c.701C>T (p.Thr234Met)

Gene: WNK1 (WNK lysine deficient protein kinase 1; plus strand). Cytogenetic location: 12p13.33.
Variant type: single nucleotide variant.
Coding change: c.701C>T on transcript NM_018979.4 (MANE Select); coding-DNA position 701, C replaced by T.
Protein change: p.Thr234Met; replaces threonine 234 with methionine.
Molecular consequence: missense variant.
Genome position (GRCh38, 1-based): chr12:754,266, C>T. VCF-style: chr12-754266-C-T. GRCh37 (hg19) VCF-style: chr12-863432-C-T.
Other names: c.701C>T, p.Thr234Met (NM_001184985.2, NM_014823.3, NM_213655.5); short protein forms T234M.
Identifiers: ClinVar variation 1931902 (VCV001931902.5), dbSNP rs762492680, ClinGen allele CA6381830.